The following is an entry in ClinVar:

NM_001012339.3(DNAJC21):c.1481G>A (p.Arg494Gln)

Gene: DNAJC21 (DnaJ heat shock protein family (Hsp40) member C21; plus strand). Cytogenetic location: 5p13.2.
Variant type: single nucleotide variant.
Coding change: c.1481G>A on transcript NM_001012339.3 (MANE Select); coding-DNA position 1481, G replaced by A.
Protein change: p.Arg494Gln; replaces arginine 494 with glutamine.
Molecular consequence: missense variant.
Genome position (GRCh38, 1-based): chr5:34,954,599, G>A. VCF-style: chr5-34954599-G-A. GRCh37 (hg19) VCF-style: chr5-34954704-G-A.
Other names: c.1481G>A (NM_001012339.2); c.1520G>A, p.Arg507Gln (NM_001348420.2); c.1616G>A, p.Arg539Gln (NM_194283.4); short protein forms R494Q, R507Q, R539Q.
Identifiers: ClinVar variation 1009379 (VCV001009379.10), dbSNP rs146933471, ClinGen allele CA3228873.

ClinVar aggregate classification (germline): Uncertain significance. Review status: criteria provided, multiple submitters, no conflicts (2 of 4 stars). 3 submissions from 3 submitters: Uncertain significance (3). Last evaluated 2026-01-08.

Conditions:
Bone marrow failure syndrome 3 (BMFS3). Identifiers: MedGen C4310744, MONDO:0014887, OMIM 617052.
Shwachman-Diamond syndrome 1 (SDS1). Also called: LIPOMATOSIS OF PANCREAS, CONGENITAL. Identifiers: MedGen C4692625, MONDO:0044204, OMIM 260400.

Allele frequency attached by ClinVar (database versions not stated): ESP Exome Variant Server 0.00031; gnomAD exomes 0.00031 and 0.00042; ExAC 0.00033; gnomAD 0.00048 and 0.00050; TOPMed 0.00065; 1000 Genomes Project 30x 0.00078; 1000 Genomes Project 0.00080.
gnomAD v4.1: 691 of 1,612,680 alleles (0.043%); highest among the groups gnomAD compares: Admixed American, 0.06%; 2 homozygotes.

Submissions (6):

Labcorp Genetics (formerly Invitae), Labcorp
Classification: Uncertain significance. Last evaluated: 2026-01-08. Review status: criteria provided, single submitter. Criteria: Invitae Variant Classification Sherloc (09022015). Collection method: clinical testing. Allele origin: germline.
Comment: This sequence change replaces arginine, which is basic and polar, with glutamine, which is neutral and polar, at codon 494 of the DNAJC21 protein (p.Arg494Gln). This variant is present in population databases (rs146933471, gnomAD 0.05%). This variant has not been reported in the literature in individuals affected with DNAJC21-related conditions. ClinVar contains an entry for this variant (Variation ID: 1009379). An algorithm developed to predict the effect of missense changes on protein structure and function (PolyPhen-2) suggests that this variant is likely to be disruptive. Algorithms developed to predict the effect of sequence changes on RNA splicing suggest that this variant may disrupt the consensus splice site. In summary, the available evidence is currently insufficient to determine the role of this variant in disease. Therefore, it has been classified as a Variant of Uncertain Significance.

Blueprint Genetics
Classification: Uncertain significance. Last evaluated: 2024-10-14. Review status: criteria provided, single submitter. Criteria: ACMG Guidelines, 2015. Collection method: clinical testing. Allele origin: germline.

Victorian Clinical Genetics Services, Murdoch Childrens Research Institute
Classification: Uncertain significance for Bone marrow failure syndrome 3. Last evaluated: 2023-12-21. Review status: criteria provided, single submitter. Criteria: ACMG Guidelines, 2015. Collection method: clinical testing. Allele origin: germline. Inheritance: Autosomal recessive inheritance. Affected: yes.
Comment: Based on the classification scheme VCGS_Germline_v1.3.4, this variant is classified as VUS-3B. Following criteria are met: 0102 - Loss of function is a known mechanism of disease in this gene and is associated with bone marrow failure syndrome 3 (MIM# 617052). (I) 0106 - This gene is associated with autosomal recessive disease. (I) 0200 - Variant is predicted to result in a missense amino acid change from arginine to glutamine. (I) 0251 - This variant is heterozygous. (I) 0304 - Variant is present in gnomAD <0.01 for a recessive condition (v2: 82 heterozygotes, 0 homozygotes). (SP) 0309 - An alternative amino acid change at the same position has been observed in gnomAD (v2: 4 heterozygotes, 0 homozygotes). (I) 0502 - Missense variant with conflicting in silico predictions and high conservation. (I) 0600 - Variant is located in the annotated C2H2-type 2 zinc finger domain (UniProt). (I) 0705 - No comparable missense variants have previous evidence for pathogenicity. (I) 0809 - Previous evidence of pathogenicity for this variant is inconclusive. This variant has been reported as a VUS by a clinical testing laboratory (ClinVar). (I) 0905 - No published segregation evidence has been identified for this variant. (I) 1007 - No published functional evidence has been identified for this variant. (I) 1208 - Inheritance information for this variant is not currently available in this individual. (I) Legend: (SP) - Supporting pathogenic, (I) - Information, (SB) - Supporting benign

Dr. Peter K. Rogan Lab, Western University
No classification provided (evidence only). Condition: Familial cancer of breast. Review status: no classification provided. Collection method: in vitro. Allele origin: not applicable. Functional consequence: retained intron. Not counted in ClinVar's aggregate classification.

Dr. Peter K. Rogan Lab, Western University
No classification provided (evidence only). Condition: Acute myeloid leukemia. Review status: no classification provided. Collection method: in vitro. Allele origin: not applicable. Functional consequence: retained intron. Not counted in ClinVar's aggregate classification.

Dr. Peter K. Rogan Lab, Western University
No classification provided (evidence only). Condition: Gastric cancer. Review status: no classification provided. Collection method: in vitro. Allele origin: not applicable. Functional consequence: retained intron. Not counted in ClinVar's aggregate classification.